The following is an entry in ClinVar:

ClinVar aggregate classification (germline): Uncertain significance (1 of 4 stars; one submission).

Conditions:
Neuronal ceroid lipofuscinosis. Also called: Neuronal Ceroid Lipofuscinoses. Identifiers: Orphanet 216, Orphanet 79263, MedGen C0027877, MONDO:0016295. Disease mechanism: loss of function.

Allele frequency attached by ClinVar (database versions not stated): gnomAD 0.00002.
gnomAD v4.1: 4 of 1,613,958 alleles (0.00025%); highest among the groups gnomAD compares: African/African-American, 0.004%; no homozygotes.

Submission:

Labcorp Genetics (formerly Invitae), Labcorp
Classification: Uncertain significance for Neuronal ceroid lipofuscinosis. Last evaluated: 2021-11-30. Review status: criteria provided, single submitter. Criteria: Invitae Variant Classification Sherloc (09022015). Collection method: clinical testing. Allele origin: germline.
Comment: This sequence change replaces valine, which is neutral and non-polar, with glutamic acid, which is acidic and polar, at codon 224 of the CTSD protein (p.Val224Glu). This variant is present in population databases (no rsID available, gnomAD 0.02%). This variant has not been reported in the literature in individuals affected with CTSD-related conditions. Algorithms developed to predict the effect of missense changes on protein structure and function are either unavailable or do not agree on the potential impact of this missense change (SIFT: "Deleterious"; PolyPhen-2: "Probably Damaging"; Align-GVGD: "Class C0"). In summary, the available evidence is currently insufficient to determine the role of this variant in disease. Therefore, it has been classified as a Variant of Uncertain Significance.

NM_001909.5(CTSD):c.671T>A (p.Val224Glu)

Gene: CTSD (cathepsin D; minus strand). Cytogenetic location: 11p15.5.
Variant type: single nucleotide variant.
Coding change: c.671T>A on transcript NM_001909.5 (MANE Select); coding-DNA position 671, T replaced by A.
Protein change: p.Val224Glu; replaces valine 224 with glutamic acid.
Molecular consequence: missense variant.
Genome position (GRCh38, 1-based): chr11:1,757,357, A>T on the plus strand (T>A on the coding strand, the complement: CTSD is on the minus strand). VCF-style: chr11-1757357-A-T. GRCh37 (hg19) VCF-style: chr11-1778587-A-T.
Other names: short protein forms V224E.
Identifiers: ClinVar variation 2119633 (VCV002119633.1), dbSNP rs887185230, ClinGen allele CA216173200.